The following is an entry in ClinVar:

ClinVar aggregate classification (germline): Conflicting classifications of pathogenicity. Review status: criteria provided, conflicting classifications (1 of 4 stars). 7 submissions from 7 submitters: Uncertain significance (1); Benign (2); Likely benign (4). Last evaluated 2026-01-15.

Conditions:
Emery-Dreifuss muscular dystrophy 5, autosomal dominant (EDMD5). Also called: EMERY-DREIFUSS MUSCULAR DYSTROPHY 5. Identifiers: Orphanet 261, MedGen C2751805, MONDO:0013072, OMIM 612999.

Allele frequency attached by ClinVar (database versions not stated): ExAC 0.00067; gnomAD exomes 0.00083 and 0.00142; TOPMed 0.00088; ESP Exome Variant Server 0.00092; gnomAD 0.00093 and 0.00099.
gnomAD v4.1: 2,229 of 1,613,912 alleles (0.14%); highest among the groups gnomAD compares: Non-Finnish European, 0.17%; 4 homozygotes.

Submissions (7):

Labcorp Genetics (formerly Invitae), Labcorp
Classification: Likely benign for Emery-Dreifuss muscular dystrophy 5, autosomal dominant. Last evaluated: 2026-01-15. Review status: criteria provided, single submitter. Criteria: Invitae Variant Classification Sherloc (09022015). Collection method: clinical testing. Allele origin: germline.

CeGaT Center for Human Genetics Tuebingen
Classification: Benign. Last evaluated: 2025-08-01. Review status: criteria provided, single submitter. Criteria: CeGaT Center For Human Genetics Tuebingen Variant Classification Criteria Version 2. Collection method: clinical testing. Allele origin: germline. Affected: yes. Observed: 4 variant alleles.
Comment: SYNE2: BS1, BS2

Blueprint Genetics
Classification: Likely benign. Last evaluated: 2024-11-27. Review status: criteria provided, single submitter. Criteria: ACMG Guidelines, 2015. Collection method: clinical testing. Allele origin: germline.

Athena Diagnostics
Classification: Likely benign. Last evaluated: 2020-11-03. Review status: criteria provided, single submitter. Criteria: Athena Diagnostics criteria. Collection method: clinical testing. Allele origin: unknown.

Illumina Laboratory Services, Illumina
Classification: Benign for Emery-Dreifuss muscular dystrophy 5, autosomal dominant. Last evaluated: 2018-01-13. Review status: criteria provided, single submitter. Criteria: ICSL Variant Classification Criteria 13 December 2019. Collection method: clinical testing. Allele origin: germline.
Comment: This variant was observed in the ICSL laboratory as part of a predisposition screen in an ostensibly healthy population. It had not been previously curated by ICSL or reported in the Human Gene Mutation Database (HGMD: prior to June 1st, 2018), and was therefore a candidate for classification through an automated scoring system. Utilizing variant allele frequency, disease prevalence and penetrance estimates, and inheritance mode, an automated score was calculated to assess if this variant is too frequent to cause the disease. Based on the score and internal cut-off values, a variant classified as benign is not then subjected to further curation. The score for this variant resulted in a classification of benign for this disease.

Genetic Services Laboratory, University of Chicago
Classification: Likely benign. Last evaluated: 2016-12-20. Review status: criteria provided, single submitter. Criteria: ACMG Guidelines, 2015. Collection method: clinical testing. Allele origin: germline. Affected: no.

Eurofins Ntd Llc (ga)
Classification: Uncertain significance. Last evaluated: 2015-09-04. Review status: criteria provided, single submitter. Criteria: EGL Classification Definitions 2015. Collection method: clinical testing. Allele origin: germline. Observed: 2 variant alleles, 2 heterozygotes.

NM_182914.3(SYNE2):c.11479G>C (p.Val3827Leu)

Gene: SYNE2 (spectrin repeat containing nuclear envelope protein 2; plus strand). Cytogenetic location: 14q23.2.
Variant type: single nucleotide variant.
Coding change: c.11479G>C on transcript NM_182914.3 (MANE Select); coding-DNA position 11479, G replaced by C.
Protein change: p.Val3827Leu; replaces valine 3827 with leucine.
Molecular consequence: missense variant.
Genome position (GRCh38, 1-based): chr14:64,081,575, G>C. VCF-style: chr14-64081575-G-C. GRCh37 (hg19) VCF-style: chr14-64548293-G-C.
Other names: c.11479G>C, p.Val3827Leu (NM_015180.6); short protein forms V3827L.
Identifiers: ClinVar variation 283235 (VCV000283235.49), dbSNP rs138514054, ClinGen allele CA7221782.